The following is an entry in ClinVar:

ClinVar aggregate classification (germline): Pathogenic (1 of 4 stars; one submission).

Conditions:
Bloom syndrome (BLM). Also called: Bloom-Torre-Machacek syndrome. Identifiers: Orphanet 125, MedGen C0005859, MONDO:0008876, OMIM 210900.

gnomAD v4.1: 2 of 1,613,058 alleles (0.00012%); highest among the groups gnomAD compares: Non-Finnish European, 0.00017%; no homozygotes.

Submission:

Labcorp Genetics (formerly Invitae), Labcorp
Classification: Pathogenic for Bloom syndrome. Last evaluated: 2021-06-06. Review status: criteria provided, single submitter. Criteria: Invitae Variant Classification Sherloc (09022015). Collection method: clinical testing. Allele origin: germline.
Comment: This sequence change creates a premature translational stop signal (p.Glu307*) in the BLM gene. It is expected to result in an absent or disrupted protein product. Loss-of-function variants in BLM are known to be pathogenic (PMID: 17407155). This variant is not present in population databases (ExAC no frequency). This variant has not been reported in the literature in individuals with BLM-related conditions. For these reasons, this variant has been classified as Pathogenic.

Literature cited by the submitters: PubMed 17407155.

NM_000057.4(BLM):c.919G>T (p.Glu307Ter)

Gene: BLM (BLM RecQ like helicase; plus strand). Cytogenetic location: 15q26.1.
Variant type: single nucleotide variant.
Coding change: c.919G>T on transcript NM_000057.4 (MANE Select); coding-DNA position 919, G replaced by T.
Protein change: p.Glu307Ter; replaces glutamic acid 307 with a stop codon.
Molecular consequence: nonsense. On other transcripts: 5 prime UTR variant (1).
Genome position (GRCh38, 1-based): chr15:90,751,906, G>T. VCF-style: chr15-90751906-G-T. GRCh37 (hg19) VCF-style: chr15-91295136-G-T.
Other names: c.919G>T, p.Glu307Ter (NM_001287246.2, NM_001287247.2); c.-373G>T (NM_001287248.2); short protein forms E307*.
Identifiers: ClinVar variation 1350415 (VCV001350415.6), dbSNP rs766386787, ClinGen allele CA393841881.